The following is an entry in ClinVar:

ClinVar aggregate classification (germline): Uncertain significance. Review status: criteria provided, multiple submitters, no conflicts (2 of 4 stars). 3 submissions from 3 submitters: Uncertain significance (3). Last evaluated 2025-08-10.

Conditions:
Hereditary cancer-predisposing syndrome. Also called: Tumor predisposition; Neoplastic Syndromes, Hereditary; Hereditary Cancer Syndrome; Hereditary neoplastic syndrome. Identifiers: Orphanet 140162, MedGen C0027672, MeSH D009386, MONDO:0015356.

Submissions (3):

Labcorp Genetics (formerly Invitae), Labcorp
Classification: Uncertain significance. Last evaluated: 2025-08-10. Review status: criteria provided, single submitter. Criteria: Invitae Variant Classification Sherloc (09022015). Collection method: clinical testing. Allele origin: germline.
Comment: This sequence change replaces glutamic acid, which is acidic and polar, with alanine, which is neutral and non-polar, at codon 502 of the POLE protein (p.Glu502Ala). This variant is not present in population databases (gnomAD no frequency). This variant has not been reported in the literature in individuals affected with POLE-related conditions. ClinVar contains an entry for this variant (Variation ID: 1311410). Invitae Evidence Modeling of protein sequence and biophysical properties (such as structural, functional, and spatial information, amino acid conservation, physicochemical variation, residue mobility, and thermodynamic stability) indicates that this missense variant is expected to disrupt POLE protein function with a positive predictive value of 80%. In summary, the available evidence is currently insufficient to determine the role of this variant in disease. Therefore, it has been classified as a Variant of Uncertain Significance.

Ambry Genetics
Classification: Uncertain significance for Hereditary cancer-predisposing syndrome. Last evaluated: 2024-02-28. Review status: criteria provided, single submitter. Criteria: Ambry Variant Classification Scheme 2023. Collection method: clinical testing. Allele origin: germline.
Comment: The p.E502A variant (also known as c.1505A>C), located in coding exon 15 of the POLE gene, results from an A to C substitution at nucleotide position 1505. The glutamic acid at codon 502 is replaced by alanine, an amino acid with dissimilar properties. This amino acid position is conserved. In addition, the in silico prediction for this alteration is inconclusive. Based on the available evidence, the clinical significance of this alteration remains unclear.

GeneDx
Classification: Uncertain significance. Last evaluated: 2022-07-12. Review status: criteria provided, single submitter. Criteria: GeneDx Variant Classification Process June 2021. Collection method: clinical testing. Allele origin: germline. Affected: yes.
Comment: Not observed in large population cohorts (gnomAD); In silico analysis supports that this missense variant has a deleterious effect on protein structure/function; Has not been previously published as pathogenic or benign to our knowledge

NM_006231.4(POLE):c.1505A>C (p.Glu502Ala)

Gene: POLE (DNA polymerase epsilon, catalytic subunit; minus strand). Cytogenetic location: 12q24.33.
Variant type: single nucleotide variant.
Coding change: c.1505A>C on transcript NM_006231.4 (MANE Select); coding-DNA position 1505, A replaced by C.
Protein change: p.Glu502Ala; replaces glutamic acid 502 with alanine.
Molecular consequence: missense variant.
Genome position (GRCh38, 1-based): chr12:132,672,808, T>G on the plus strand (A>C on the coding strand, the complement: POLE is on the minus strand). VCF-style: chr12-132672808-T-G. GRCh37 (hg19) VCF-style: chr12-133249394-T-G.
Other names: short protein forms E502A.
Identifiers: ClinVar variation 1311410 (VCV001311410.6), dbSNP rs2135994134, ClinGen allele CA387357564.